The following is an entry in ClinVar:

ClinVar aggregate classification (germline): Pathogenic. Review status: reviewed by expert panel (3 of 4 stars). 8 submissions from 8 submitters: Pathogenic (1). 7 of the submissions do not count toward it. Last evaluated 2017-03-17.

Conditions:
Bronchiectasis with or without elevated sweat chloride 1 (BESC1). Also called: Cystic Fibrosis-Like Syndrome. Identifiers: Orphanet 60033, MedGen C2749757, MONDO:0008887, OMIM 211400.
CFTR-related disorder (CFTR-RD). Also called: CFTR-related condition; CFTR-related disorders. Identifiers: MedGen C5924204, MONDO:7770004.
Cystic fibrosis (CF). Also called: MUCOVISCIDOSIS. Identifiers: Orphanet 586, MedGen C0010674, MONDO:0009061, OMIM 219700. Disease mechanism: loss of function.
Hereditary pancreatitis (PCTT). Also called: Hereditary chronic pancreatitis; PRSS1-Related Hereditary Pancreatitis. Identifiers: Orphanet 676, MedGen C0238339, MONDO:0008185, OMIM 167800.
Congenital bilateral aplasia of vas deferens from CFTR mutation (CBAVD). Identifiers: Orphanet 48, MedGen C0403814, MONDO:0010178, OMIM 277180. Disease mechanism: loss of function.

Allele frequency attached by ClinVar (database versions not stated): gnomAD exomes 0.00001.

Submissions (8):

CFTR2
Classification: Pathogenic for Cystic fibrosis. Last evaluated: 2017-03-17. Review status: reviewed by expert panel. Criteria: Sosnay PR et al. (Nat Genet 2013). Collection method: research. Allele origin: germline. Affected: yes. Study: CFTR2.

Natera, Inc.
Classification: Pathogenic for CFTR-related disorders. Last evaluated: 2025-05-20. Review status: criteria provided, single submitter. Criteria: Natera Variant Classification Schema (03/2026). Collection method: clinical testing. Allele origin: germline. Not counted in ClinVar's aggregate classification.
Comment: The c.2601dupA variant in CFTR is a frameshift variant predicted to shift the reading frame beginning at codon 868 and leads to a stop codon 28 codons downstream. This variant is expected to result in nonsense mediated decay, truncation, or a dysfunctional protein product. This variant is rare in the general population with a frequency below the threshold expected for the associated phenotype(s). This variant has been observed in one or more individuals affected with the associated recessive disease, as either homozygous or compound heterozygous with a second variant (PMID: 16189704). Given the available evidence, this variant is classified as Pathogenic.

Labcorp Genetics (formerly Invitae), Labcorp
Classification: Pathogenic for Cystic fibrosis. Last evaluated: 2025-04-22. Review status: criteria provided, single submitter. Criteria: Invitae Variant Classification Sherloc (09022015). Collection method: clinical testing. Allele origin: germline. Not counted in ClinVar's aggregate classification.
Comment: This sequence change creates a premature translational stop signal (p.Val868Serfs*28) in the CFTR gene. It is expected to result in an absent or disrupted protein product. Loss-of-function variants in CFTR are known to be pathogenic (PMID: 1695717, 7691345, 9725922). This variant is not present in population databases (gnomAD no frequency). This premature translational stop signal has been observed in individual(s) with cystic fibrosis (PMID: 16189704). This variant is also known as c.2732insA. ClinVar contains an entry for this variant (Variation ID: 487396). For these reasons, this variant has been classified as Pathogenic.

Fulgent Genetics
Classification: Pathogenic for Hereditary pancreatitis; Bronchiectasis with or without elevated sweat chloride 1; Cystic fibrosis; Congenital bilateral aplasia of vas deferens from CFTR mutation. Last evaluated: 2024-02-12. Review status: criteria provided, single submitter. Criteria: ACMG Guidelines, 2015. Collection method: clinical testing. Allele origin: germline. Not counted in ClinVar's aggregate classification.

Baylor Genetics
Classification: Pathogenic for Bronchiectasis with or without elevated sweat chloride 1. Last evaluated: 2023-03-04. Review status: criteria provided, single submitter. Criteria: ACMG Guidelines, 2015. Collection method: clinical testing. Allele origin: unknown. Not counted in ClinVar's aggregate classification.

Women's Health and Genetics/Laboratory Corporation of America, LabCorp
Classification: Pathogenic for Cystic fibrosis. Last evaluated: 2022-05-16. Review status: criteria provided, single submitter. Criteria: LabCorp Variant Classification Summary - May 2015. Collection method: clinical testing. Allele origin: germline. Not counted in ClinVar's aggregate classification.
Comment: Variant summary: CFTR c.2601dupA (p.Val868SerfsX28; legacy name: 2732insA) results in a premature termination codon, predicted to cause a truncation of the encoded protein or absence of the protein due to nonsense mediated decay, which are commonly known mechanisms for disease. Truncations downstream of this position have been classified as pathogenic by our laboratory. The variant was absent in 251302 control chromosomes (gnomAD). c.2601dupA has been reported in the literature in multiple individuals affected with Cystic Fibrosis (e.g. McGinniss_2005, McCormick_2006, McCague_2019). These data indicate that the variant is likely to be associated with disease. To our knowledge, no experimental evidence demonstrating an impact on protein function has been reported. Four submitters, including an expert panel (CFTR2), have provided clinical-significance assessments for this variant in ClinVar after 2014, and all classified the variant as pathogenic. Based on the evidence outlined above, the variant was classified as pathogenic.

CFTR-France
Classification: Pathogenic for cystic fibrosis. Last evaluated: 2018-01-29. Review status: criteria provided, single submitter. Criteria: Claustres M et al. (Hum Mutat 2017). Collection method: curation. Allele origin: germline. Affected: yes. Not counted in ClinVar's aggregate classification.

Ambry Genetics
Classification: Pathogenic for Cystic fibrosis. Last evaluated: 2015-09-16. Review status: criteria provided, single submitter. Criteria: Ambry Variant Classification Scheme 2023. Collection method: clinical testing. Allele origin: germline. Not counted in ClinVar's aggregate classification.
Comment: The c.2601dupA pathogenic mutation, located in coding exon 15 of the CFTR gene, results from a duplication of one nucleotide at position 2601, causing a translational frameshift with a predicted alternate stop codon. This mutation has been previously reported as c.2732insA in a classic CF patient who also carried a second CFTR alteration (McGinniss MJ et al. Hum Genet. 2005;118(3-4):331-8). In addition to the clinical data presented in the literature, since frameshifts are typically deleterious in nature, this alteration is interpreted as a disease-causing mutation (ACMG Recommendations for Standards for Interpretation and Reporting of Sequence Variations. Revision 2007. Genet Med. 2008;10:294).

Literature cited by the submitters: PubMed 16189704 (cited by 3 submitters); PubMed 1695717 (cited by Labcorp Genetics (formerly Invitae), Labcorp); PubMed 7691345 (cited by Labcorp Genetics (formerly Invitae), Labcorp); PubMed 9725922 (cited by Labcorp Genetics (formerly Invitae), Labcorp); PubMed 16488363 (cited by Women's Health and Genetics/Laboratory Corporation of America, LabCorp); PubMed 30888834 (cited by Women's Health and Genetics/Laboratory Corporation of America, LabCorp).

NM_000492.4(CFTR):c.2601dup (p.Val868fs)

Gene: CFTR (CF transmembrane conductance regulator; plus strand). Cytogenetic location: 7q31.2.
Variant type: Duplication.
Coding change: c.2601dup on transcript NM_000492.4 (MANE Select); coding-DNA position 2601, one base duplicated (A; older notation c.2601dupA).
Protein change: p.Val868fs; shifts the reading frame from valine 868.
Molecular consequence: frameshift variant.
Genome position (GRCh38, 1-based): chr7:117,595,040, A duplicated. VCF-style (leftmost placement, unchanged base first): chr7-117595039-T-TA. GRCh37 (hg19) VCF-style: chr7-117235093-T-TA.
Other names: 2732insA; c.2601dupA (NM_000492.3); c.2601_2602insA (NM_000492.3); short protein forms V868fs.
Identifiers: ClinVar variation 487396 (VCV000487396.22), dbSNP rs397508405, ClinGen allele CA326861.